The following is an entry in ClinVar:

ClinVar aggregate classification (germline): Uncertain significance (1 of 4 stars; one submission).

Conditions:
RAI1-related disorder. Also called: RAI1-related condition.

Submission:

PreventionGenetics, part of Exact Sciences
Classification: Uncertain significance for RAI1-related condition. Last evaluated: 2026-09-15. Review status: criteria provided, single submitter. Criteria: ACMG Guidelines, 2015. Collection method: clinical testing. Allele origin: germline.
Comment: The RAI1 c.4614G>T variant is predicted to result in the amino acid substitution p.Lys1538Asn. To our knowledge, this variant has not been reported in the literature or in a large population database (gnomAD), indicating this variant is rare. At this time, the clinical significance of this variant is uncertain due to the absence of conclusive functional and genetic evidence.

NM_030665.4(RAI1):c.4614G>T (p.Lys1538Asn)

Gene: RAI1 (retinoic acid induced 1; plus strand). Cytogenetic location: 17p11.2.
Variant type: single nucleotide variant.
Coding change: c.4614G>T on transcript NM_030665.4 (MANE Select); coding-DNA position 4614, G replaced by T.
Protein change: p.Lys1538Asn; replaces lysine 1538 with asparagine.
Molecular consequence: missense variant.
Genome position (GRCh38, 1-based): chr17:17,797,562, G>T. VCF-style: chr17-17797562-G-T. GRCh37 (hg19) VCF-style: chr17-17700876-G-T.
Other names: short protein forms K1538N.
Identifiers: ClinVar variation 4984431 (VCV004984431.1).